The following is an entry in ClinVar:

NM_000088.4(COL1A1):c.2548C>T (p.Pro850Ser)

Gene: COL1A1 (collagen type I alpha 1 chain; minus strand). Cytogenetic location: 17q21.33.
Variant type: single nucleotide variant.
Coding change: c.2548C>T on transcript NM_000088.4 (MANE Select); coding-DNA position 2548, C replaced by T.
Protein change: p.Pro850Ser; replaces proline 850 with serine.
Molecular consequence: missense variant.
Genome position (GRCh38, 1-based): chr17:50,190,012, G>A on the plus strand (C>T on the coding strand, the complement: COL1A1 is on the minus strand). VCF-style: chr17-50190012-G-A. GRCh37 (hg19) VCF-style: chr17-48267373-G-A.
Other names: short protein forms P850S.
Identifiers: ClinVar variation 3769427 (VCV003769427.2).

ClinVar aggregate classification (germline): Uncertain significance (1 of 4 stars; one submission).

Submission:

Women's Health and Genetics/Laboratory Corporation of America, LabCorp
Classification: Uncertain significance. Last evaluated: 2025-01-27. Review status: criteria provided, single submitter. Criteria: LabCorp Variant Classification Summary - May 2015. Collection method: clinical testing. Allele origin: germline.
Comment: Variant summary: COL1A1 c.2548C>T (p.Pro850Ser) results in a non-conservative amino acid change in the encoded protein sequence. Three of five in-silico tools predict a damaging effect of the variant on protein function. The variant was absent in 249598 control chromosomes. The available data on variant occurrences in the general population are insufficient to allow any conclusion about variant significance. To our knowledge, no occurrence of c.2548C>T in individuals affected with Osteogenesis imperfecta type I and no experimental evidence demonstrating its impact on protein function have been reported. No submitters have cited clinical-significance assessments for this variant to ClinVar. Based on the evidence outlined above, the variant was classified as uncertain significance.